The following is an entry in ClinVar:

NM_024675.4(PALB2):c.2338G>A (p.Gly780Ser)

Gene: PALB2 (partner and localizer of BRCA2; minus strand). Cytogenetic location: 16p12.2.
Variant type: single nucleotide variant.
Coding change: c.2338G>A on transcript NM_024675.4 (MANE Select); coding-DNA position 2338, G replaced by A.
Protein change: p.Gly780Ser; replaces glycine 780 with serine.
Molecular consequence: missense variant. On other transcripts: intron variant (1).
Genome position (GRCh38, 1-based): chr16:23,629,816, C>T on the plus strand (G>A on the coding strand, the complement: PALB2 is on the minus strand). VCF-style: chr16-23629816-C-T. GRCh37 (hg19) VCF-style: chr16-23641137-C-T.
Other names: c.2278G>A, p.Gly760Ser (NM_001407296.1); c.2338G>A, p.Gly780Ser (NM_001407297.1, NM_001407298.1, NM_001407299.1 and 3 more transcripts); c.1453G>A, p.Gly485Ser (NM_001407304.1, NM_001407305.1, NM_001407306.1 and 5 more transcripts); c.550G>A, p.Gly184Ser (NM_001407312.1, NM_001407313.1); c.49-541G>A (NM_001407314.1); short protein forms G184S, G780S, G485S, G760S.
Identifiers: ClinVar variation 4741189 (VCV004741189.1).

ClinVar aggregate classification (germline): Uncertain significance (1 of 4 stars; one submission).

Conditions:
Familial cancer of breast. Also called: BREAST CANCER, FAMILIAL; Hereditary breast cancer; hereditary breast carcinoma. Identifiers: Orphanet 227535, MedGen C0346153, MONDO:0016419, OMIM 114480. Disease mechanism: loss of function.

Submission:

Labcorp Genetics (formerly Invitae), Labcorp
Classification: Uncertain significance for Familial cancer of breast. Last evaluated: 2025-03-16. Review status: criteria provided, single submitter. Criteria: Invitae Variant Classification Sherloc (09022015). Collection method: clinical testing. Allele origin: germline.
Comment: This sequence change replaces glycine, which is neutral and non-polar, with serine, which is neutral and polar, at codon 780 of the PALB2 protein (p.Gly780Ser). This variant is not present in population databases (gnomAD no frequency). This variant has not been reported in the literature in individuals affected with PALB2-related conditions. Invitae Evidence Modeling of protein sequence and biophysical properties (such as structural, functional, and spatial information, amino acid conservation, physicochemical variation, residue mobility, and thermodynamic stability) indicates that this missense variant is not expected to disrupt PALB2 protein function with a negative predictive value of 80%. In summary, the available evidence is currently insufficient to determine the role of this variant in disease. Therefore, it has been classified as a Variant of Uncertain Significance.